The following is an entry in ClinVar:

ClinVar aggregate classification (germline): Pathogenic. Review status: criteria provided, multiple submitters, no conflicts (2 of 4 stars). 2 submissions from 2 submitters: Pathogenic (2). Last evaluated 2024-11-19.

Conditions:
Epidermodysplasia verruciformis. Identifiers: Orphanet 302, MedGen C0014522, MONDO:0009176.
TMC8-related disorder. Also called: TMC8-related condition.

Allele frequency attached by ClinVar (database versions not stated): TOPMed 0.00002; 1000 Genomes Project 30x 0.00016; gnomAD exomes 0.00022; gnomAD 0.00044; ExAC 0.00045.

Submissions (2):

Blueprint Genetics
Classification: Pathogenic for TMC8-related disorders. Last evaluated: 2024-11-19. Review status: criteria provided, single submitter. Criteria: ACMG Guidelines, 2015. Collection method: clinical testing. Allele origin: germline. Affected: yes. Observed: 5 variant alleles.

Labcorp Genetics (formerly Invitae), Labcorp
Classification: Pathogenic for Epidermodysplasia verruciformis. Last evaluated: 2024-03-18. Review status: criteria provided, single submitter. Criteria: Invitae Variant Classification Sherloc (09022015). Collection method: clinical testing. Allele origin: germline.
Comment: This sequence change creates a premature translational stop signal (p.Leu494Argfs*5) in the TMC8 gene. It is expected to result in an absent or disrupted protein product. Loss-of-function variants in TMC8 are known to be pathogenic (PMID: 12426567, 22158547). This variant is present in population databases (rs769699571, gnomAD 0.6%), and has an allele count higher than expected for a pathogenic variant. This variant has not been reported in the literature in individuals affected with TMC8-related conditions. For these reasons, this variant has been classified as Pathogenic.

Literature cited by the submitters: PubMed 12426567 (cited by Labcorp Genetics (formerly Invitae), Labcorp); PubMed 22158547 (cited by Labcorp Genetics (formerly Invitae), Labcorp).

NM_152468.5(TMC8):c.1481del (p.Leu494fs)

Genes: TMC8 (transmembrane channel like 8; plus strand), LOC130061795 (ATAC-STARR-seq lymphoblastoid active region 12864; plus strand). Cytogenetic location: 17q25.3.
Variant type: Deletion.
Coding change: c.1481del on transcript NM_152468.5 (MANE Select); coding-DNA position 1481, one base deleted (T; older notation c.1481delT).
Protein change: p.Leu494fs; shifts the reading frame from leucine 494.
Molecular consequence: frameshift variant.
Genome position (GRCh38, 1-based): chr17:78,138,136, T deleted. VCF-style (leftmost placement, unchanged base first): chr17-78138135-CT-C. GRCh37 (hg19) VCF-style: chr17-76134216-CT-C.
Other names: short protein forms L494fs.
Identifiers: ClinVar variation 2778632 (VCV002778632.4), dbSNP rs769699571, ClinGen allele CA8796878.